The following is an entry in ClinVar:

NM_001852.4(COL9A2):c.480G>A (p.Pro160=)

Gene: COL9A2 (collagen type IX alpha 2 chain; minus strand). Cytogenetic location: 1p34.2.
Variant type: single nucleotide variant.
Coding change: c.480G>A on transcript NM_001852.4 (MANE Select); coding-DNA position 480, G replaced by A.
Protein change: p.Pro160=; no amino-acid change (proline 160 retained).
Molecular consequence: synonymous variant.
Genome position (GRCh38, 1-based): chr1:40,311,539, C>T on the plus strand (G>A on the coding strand, the complement: COL9A2 is on the minus strand). VCF-style: chr1-40311539-C-T. GRCh37 (hg19) VCF-style: chr1-40777211-C-T.
Other names: c.480G>A (NM_001852.3).
Identifiers: ClinVar variation 1135167 (VCV001135167.11), dbSNP rs745522018, ClinGen allele CA791900.

ClinVar aggregate classification (germline): Conflicting classifications of pathogenicity. Review status: criteria provided, conflicting classifications (1 of 4 stars). 3 submissions from 3 submitters: Uncertain significance (1); Likely benign (2). Last evaluated 2025-08-03.

Allele frequency attached by ClinVar (database versions not stated): gnomAD 0.00001; TOPMed 0.00001; ExAC 0.00002.
gnomAD v4.1: 11 of 1,613,868 alleles (0.00068%); highest among the groups gnomAD compares: Middle Eastern, 0.016%; no homozygotes.

Submissions (4):

Labcorp Genetics (formerly Invitae), Labcorp
Classification: Likely benign. Last evaluated: 2025-08-03. Review status: criteria provided, single submitter. Criteria: Invitae Variant Classification Sherloc (09022015). Collection method: clinical testing. Allele origin: germline.

GeneDx
Classification: Uncertain significance. Last evaluated: 2023-03-24. Review status: criteria provided, single submitter. Criteria: GeneDx Variant Classification Process June 2021. Collection method: clinical testing. Allele origin: germline. Affected: yes.
Comment: Has not been previously published as pathogenic or benign to our knowledge; Not observed at significant frequency in large population cohorts (gnomAD); In silico analysis suggests this variant may impact gene splicing. In the absence of RNA/functional studies, the actual effect of this sequence change is unknown.

Blueprint Genetics
Classification: Likely benign. Last evaluated: 2020-10-07. Review status: criteria provided, single submitter. Criteria: ACMG Guidelines, 2015. Collection method: clinical testing. Allele origin: germline.

Dr. Peter K. Rogan Lab, Western University
No classification provided (evidence only). Condition: Melanoma. Review status: no classification provided. Collection method: in vitro. Allele origin: not applicable. Functional consequence: retained intron. Not counted in ClinVar's aggregate classification.